The following is an entry in ClinVar:

ClinVar aggregate classification (germline): Uncertain significance. Review status: criteria provided, multiple submitters, no conflicts (2 of 4 stars). 3 submissions from 3 submitters: Uncertain significance (3). Last evaluated 2024-08-29.

Conditions:
Neuropathy, hereditary sensory, type 2C. Also called: KIF1A-Related HSAN2 (HSAN2C); Hereditary sensory and autonomic neuropathy type IIC. Identifiers: Orphanet 970, MedGen C3280168, MONDO:0013634, OMIM 614213.
Intellectual disability, autosomal dominant 9 (NESCAVS). Also called: NESCAV SYNDROME; KIF1A-Related Neurodevelopmental Disorder. Identifiers: Orphanet 662367, MedGen C5393830, MONDO:0013656, OMIM 614255.
Hereditary spastic paraplegia 30. Identifiers: Orphanet 101010, MedGen C5235139, MONDO:0012476.
Hereditary spastic paraplegia. Also called: Familial spastic paraparesis. Identifiers: Orphanet 685, MedGen C0037773, MONDO:0019064. Disease mechanism: loss of function.

Allele frequency attached by ClinVar (database versions not stated): ExAC 0.00001; TOPMed 0.00001; gnomAD 0.00002; gnomAD exomes 0.00002 and 0.00004.
gnomAD v4.1: 56 of 1,600,318 alleles (0.0035%); highest among the groups gnomAD compares: Non-Finnish European, 0.0038%; no homozygotes.

Submissions (3):

Labcorp Genetics (formerly Invitae), Labcorp
Classification: Uncertain significance for Hereditary spastic paraplegia 30; Neuropathy, hereditary sensory, type 2C; Intellectual disability, autosomal dominant 9. Last evaluated: 2024-08-29. Review status: criteria provided, single submitter. Criteria: Invitae Variant Classification Sherloc (09022015). Collection method: clinical testing. Allele origin: germline.
Comment: This sequence change replaces arginine, which is basic and polar, with tryptophan, which is neutral and slightly polar, at codon 778 of the KIF1A protein (p.Arg778Trp). The frequency data for this variant in the population databases is considered unreliable, as metrics indicate poor data quality at this position in the gnomAD database. This variant has not been reported in the literature in individuals affected with KIF1A-related conditions. ClinVar contains an entry for this variant (Variation ID: 1064038). Invitae Evidence Modeling of protein sequence and biophysical properties (such as structural, functional, and spatial information, amino acid conservation, physicochemical variation, residue mobility, and thermodynamic stability) has been performed for this missense variant. However, the output from this modeling did not meet the statistical confidence thresholds required to predict the impact of this variant on KIF1A protein function. In summary, the available evidence is currently insufficient to determine the role of this variant in disease. Therefore, it has been classified as a Variant of Uncertain Significance.

Blueprint Genetics
Classification: Uncertain significance. Last evaluated: 2023-09-18. Review status: criteria provided, single submitter. Criteria: ACMG Guidelines, 2015. Collection method: clinical testing. Allele origin: germline.

Genome Diagnostics Laboratory, The Hospital for Sick Children
Classification: Uncertain significance for Hereditary spastic paraplegia. Last evaluated: 2020-08-24. Review status: criteria provided, single submitter. Criteria: ACMG Guidelines, 2015. Collection method: clinical testing. Allele origin: germline. Affected: yes.

NM_001244008.2(KIF1A):c.2359C>T (p.Arg787Trp)

Gene: KIF1A (kinesin family member 1A; minus strand). Cytogenetic location: 2q37.3.
Variant type: single nucleotide variant.
Coding change: c.2359C>T on transcript NM_001244008.2 (MANE Select); coding-DNA position 2359, C replaced by T.
Protein change: p.Arg787Trp; replaces arginine 787 with tryptophan.
Molecular consequence: missense variant.
Genome position (GRCh38, 1-based): chr2:240,760,750, G>A on the plus strand (C>T on the coding strand, the complement: KIF1A is on the minus strand). VCF-style: chr2-240760750-G-A. GRCh37 (hg19) VCF-style: chr2-241700167-G-A.
Other names: c.2359C>T, p.Arg787Trp (NM_001320705.2, NM_001330289.2, NM_001379638.1); c.2434C>T, p.Arg812Trp (NM_001330290.2, NM_001379631.1, NM_001379634.1 and 2 more transcripts); c.2332C>T, p.Arg778Trp (NM_001379632.1, NM_001379633.1, NM_001379636.1 and 10 more transcripts); c.2407C>T, p.Arg803Trp (NM_001379637.1, NM_001379648.1); short protein forms R778W, R787W, R803W, R812W.
Identifiers: ClinVar variation 1064038 (VCV001064038.13), dbSNP rs756664454, ClinGen allele CA2208117.